The following is an entry in ClinVar:

ClinVar aggregate classification (germline): Benign. Review status: criteria provided, single submitter (1 of 4 stars). 2 submissions from 2 submitters: Benign (1). 1 of the submissions does not count toward it. Last evaluated 2025-12-01.

Conditions:
DNAH17-related disorder. Also called: DNAH17-related condition.

Allele frequency attached by ClinVar (database versions not stated): 1000 Genomes Project 30x 0.00515; 1000 Genomes Project 0.00519; TOPMed 0.00805; gnomAD 0.00853; ESP Exome Variant Server 0.00869; ExAC 0.01142; gnomAD exomes 0.01292.
gnomAD v4.1: 19,952 of 1,613,010 alleles (1.2%); highest among the groups gnomAD compares: Non-Finnish European, 1.5%; 142 homozygotes.

Submissions (2):

CeGaT Center for Human Genetics Tuebingen
Classification: Benign. Last evaluated: 2025-12-01. Review status: criteria provided, single submitter. Criteria: CeGaT Center For Human Genetics Tuebingen Variant Classification Criteria Version 2. Collection method: clinical testing. Allele origin: germline. Affected: yes. Observed: 4 variant alleles.
Comment: DNAH17: BS1, BS2

PreventionGenetics, part of Exact Sciences
Classification: Benign for DNAH17-related condition. Last evaluated: 2019-02-28. Review status: no assertion criteria provided. Collection method: clinical testing. Allele origin: germline. Not counted in ClinVar's aggregate classification.
Comment: This variant is classified as benign based on ACMG/AMP sequence variant interpretation guidelines (Richards et al. 2015 PMID: 25741868, with internal and published modifications).

NM_173628.4(DNAH17):c.10066G>A (p.Val3356Ile)

Gene: DNAH17 (dynein axonemal heavy chain 17; minus strand). Cytogenetic location: 17q25.3.
Variant type: single nucleotide variant.
Coding change: c.10066G>A on transcript NM_173628.4 (MANE Select); coding-DNA position 10066, G replaced by A.
Protein change: p.Val3356Ile; replaces valine 3356 with isoleucine.
Molecular consequence: missense variant.
Genome position (GRCh38, 1-based): chr17:78,455,748, C>T on the plus strand (G>A on the coding strand, the complement: DNAH17 is on the minus strand). VCF-style: chr17-78455748-C-T. GRCh37 (hg19) VCF-style: chr17-76451830-C-T.
Other names: c.10066G>A (NM_173628.3); short protein forms V3356I.
Identifiers: ClinVar variation 2648355 (VCV002648355.25), dbSNP rs111563325, ClinGen allele CA8801003.